The following is an entry in ClinVar:

ClinVar aggregate classification (germline): Uncertain significance (1 of 4 stars; one submission).

gnomAD v4.1: 6 of 1,614,082 alleles (0.00037%); highest among the groups gnomAD compares: African/African-American, 0.0053%; no homozygotes.

Submission:

Labcorp Genetics (formerly Invitae), Labcorp
Classification: Uncertain significance. Last evaluated: 2025-04-14. Review status: criteria provided, single submitter. Criteria: Invitae Variant Classification Sherloc (09022015). Collection method: clinical testing. Allele origin: germline.
Comment: This sequence change replaces leucine, which is neutral and non-polar, with valine, which is neutral and non-polar, at codon 34 of the DDX59 protein (p.Leu34Val). This variant is not present in population databases (gnomAD no frequency). This variant has not been reported in the literature in individuals affected with DDX59-related conditions. ClinVar contains an entry for this variant (Variation ID: 1952101). An algorithm developed to predict the effect of missense changes on protein structure and function (PolyPhen-2) suggests that this variant is likely to be tolerated. In summary, the available evidence is currently insufficient to determine the role of this variant in disease. Therefore, it has been classified as a Variant of Uncertain Significance.

NM_001031725.6(DDX59):c.100T>G (p.Leu34Val)

Gene: DDX59 (DEAD-box helicase 59; minus strand). Cytogenetic location: 1q32.1.
Variant type: single nucleotide variant.
Coding change: c.100T>G on transcript NM_001031725.6 (MANE Select); coding-DNA position 100, T replaced by G.
Protein change: p.Leu34Val; replaces leucine 34 with valine.
Molecular consequence: missense variant.
Genome position (GRCh38, 1-based): chr1:200,666,641, A>C on the plus strand (T>G on the coding strand, the complement: DDX59 is on the minus strand). VCF-style: chr1-200666641-A-C. GRCh37 (hg19) VCF-style: chr1-200635769-A-C.
Other names: c.100T>G, p.Leu34Val (NM_001349802.3, NM_001349803.3, NM_001349804.2 and 5 more transcripts); short protein forms L34V.
Identifiers: ClinVar variation 1952101 (VCV001952101.5), dbSNP rs746204054, ClinGen allele CA344153667.
Genomic context (GRCh38, chr1:200,666,641, plus strand): 5'-TGTCTATTGTGGCTGCTTCTGTAGCTACAGCATCAACGGGAACATCTCTGCTTTTGTCCA[A>C]CTGAAGGTCTTCTGGGTCTGGTTTAATTATCTTAGCCACACAACTTTTGCCATCATCATT-3'
Protein context (NP_001026895.2, residues 24-44): IIKPDPEDLQ[Leu34Val]DKSRDVPVDA